The following is an entry in ClinVar:

NM_003628.6(PKP4):c.3557G>T (p.Gly1186Val)

Genes: PKP4 (plakophilin 4; plus strand), PKP4-AS1 (PKP4 antisense RNA 1; minus strand). Cytogenetic location: 2q24.1.
Variant type: single nucleotide variant.
Coding change: c.3557G>T on transcript NM_003628.6 (MANE Select); coding-DNA position 3557, G replaced by T.
Protein change: p.Gly1186Val; replaces glycine 1186 with valine.
Molecular consequence: missense variant.
Genome position (GRCh38, 1-based): chr2:158,680,655, G>T. VCF-style: chr2-158680655-G-T. GRCh37 (hg19) VCF-style: chr2-159537167-G-T.
Other names: c.3428G>T, p.Gly1143Val (NM_001005476.4, NM_001377225.1); c.3554G>T, p.Gly1185Val (NM_001304969.3, NM_001377219.1, NM_001377220.1 and 1 more transcripts); c.2528G>T, p.Gly843Val (NM_001304970.3); c.3557G>T, p.Gly1186Val (NM_001377218.1); c.3551G>T, p.Gly1184Val (NM_001377222.1, NM_001377223.1); c.3548G>T, p.Gly1183Val (NM_001377224.1); c.3425G>T, p.Gly1142Val (NM_001377226.1); short protein forms G1183V, G1142V, G1184V, G1185V, G1143V, G843V, G1186V.
Identifiers: ClinVar variation 3419571 (VCV003419571.1).

ClinVar aggregate classification (germline): Uncertain significance (1 of 4 stars; one submission).

gnomAD v4.1: 1 of 1,613,420 alleles (0.000062%); highest among the groups gnomAD compares: Non-Finnish European, 0.000085%; no homozygotes.

Submission:

Ambry Genetics
Classification: Uncertain significance. Last evaluated: 2024-08-07. Review status: criteria provided, single submitter. Criteria: Ambry Variant Classification Scheme 2023. Collection method: clinical testing. Allele origin: germline.
Comment: The p.G1186V variant (also known as c.3557G>T), located in coding exon 21 of the PKP4 gene, results from a G to T substitution at nucleotide position 3557. The glycine at codon 1186 is replaced by valine, an amino acid with dissimilar properties. This amino acid position is conserved. In addition, the in silico prediction for this alteration is inconclusive. Based on the available evidence, the clinical significance of this variant remains unclear.